The following is an entry in ClinVar:

NM_014727.3(KMT2B):c.182C>A (p.Pro61His)

Genes: KMT2B (lysine methyltransferase 2B; plus strand), LOC130064258 (ATAC-STARR-seq lymphoblastoid silent region 10535; plus strand). Cytogenetic location: 19q13.12.
Variant type: single nucleotide variant.
Coding change: c.182C>A on transcript NM_014727.3 (MANE Select); coding-DNA position 182, C replaced by A.
Protein change: p.Pro61His; replaces proline 61 with histidine.
Molecular consequence: missense variant.
Genome position (GRCh38, 1-based): chr19:35,718,200, C>A. VCF-style: chr19-35718200-C-A. GRCh37 (hg19) VCF-style: chr19-36209102-C-A.
Other names: short protein forms P61H.
Identifiers: ClinVar variation 1309300 (VCV001309300.2), dbSNP rs1969030588, ClinGen allele CA405374957.

ClinVar aggregate classification (germline): Uncertain significance (1 of 4 stars; one submission).

Submission:

GeneDx
Classification: Uncertain significance. Last evaluated: 2019-10-30. Review status: criteria provided, single submitter. Criteria: GeneDx Variant Classification Process June 2021. Collection method: clinical testing. Allele origin: germline. Affected: yes.
Comment: Not observed in large population cohorts (Lek et al., 2016); In silico analysis, which includes protein predictors and evolutionary conservation, supports that this variant does not alter protein structure/function; Has not been previously published as pathogenic or benign to our knowledge